The following is an entry in ClinVar:

NM_000535.7(PMS2):c.2200G>A (p.Val734Ile)

Gene: PMS2 (PMS1 homolog 2, mismatch repair system component; minus strand). Cytogenetic location: 7p22.1.
Variant type: single nucleotide variant.
Coding change: c.2200G>A on transcript NM_000535.7 (MANE Select); coding-DNA position 2200, G replaced by A.
Protein change: p.Val734Ile; replaces valine 734 with isoleucine.
Molecular consequence: missense variant. On other transcripts: non-coding transcript variant (1).
Genome position (GRCh38, 1-based): chr7:5,978,671, C>T on the plus strand (G>A on the coding strand, the complement: PMS2 is on the minus strand). VCF-style: chr7-5978671-C-T. GRCh37 (hg19) VCF-style: chr7-6018302-C-T.
Other names: c.1795G>A, p.Val599Ile (NM_001322003.2, NM_001322004.2, NM_001322005.2 and 1 more transcripts); c.2044G>A, p.Val682Ile (NM_001322006.2); c.1882G>A, p.Val628Ile (NM_001322007.2, NM_001322008.2); c.1639G>A, p.Val547Ile (NM_001322010.2); c.1267G>A, p.Val423Ile (NM_001322011.2, NM_001322012.2); c.1627G>A, p.Val543Ile (NM_001322013.2); c.2200G>A, p.Val734Ile (NM_001322014.2); c.1891G>A, p.Val631Ile (NM_001322015.2); short protein forms V543I, V628I, V423I, V734I, V547I, V599I, V631I, V682I.
Identifiers: ClinVar variation 820875 (VCV000820875.10), dbSNP rs1467072152, ClinGen allele CA366736853.

ClinVar aggregate classification (germline): Uncertain significance. Review status: criteria provided, multiple submitters, no conflicts (2 of 4 stars). 3 submissions from 3 submitters: Uncertain significance (3). Last evaluated 2025-09-22.

Conditions:
Hereditary nonpolyposis colorectal neoplasms. Identifiers: MedGen C0009405, MeSH D003123.
Hereditary cancer-predisposing syndrome. Also called: Neoplastic Syndromes, Hereditary; Tumor predisposition; Hereditary Cancer Syndrome; Hereditary neoplastic syndrome. Identifiers: Orphanet 140162, MedGen C0027672, MeSH D009386, MONDO:0015356.

Submissions (3):

Labcorp Genetics (formerly Invitae), Labcorp
Classification: Uncertain significance for Hereditary nonpolyposis colorectal neoplasms. Last evaluated: 2025-09-22. Review status: criteria provided, single submitter. Criteria: Invitae Variant Classification Sherloc (09022015). Collection method: clinical testing. Allele origin: germline.
Comment: This sequence change replaces valine, which is neutral and non-polar, with isoleucine, which is neutral and non-polar, at codon 734 of the PMS2 protein (p.Val734Ile). The frequency data for this variant in the population databases (gnomAD) is considered unreliable due to the presence of homologous sequence, such as pseudogenes or paralogs, in the genome. This variant has not been reported in the literature in individuals affected with PMS2-related conditions. ClinVar contains an entry for this variant (Variation ID: 820875). Invitae Evidence Modeling incorporating data from in vitro experimental studies (internal data) indicates that this missense variant is not expected to disrupt PMS2 function with a negative predictive value of 95%. In summary, the available evidence is currently insufficient to determine the role of this variant in disease. Therefore, it has been classified as a Variant of Uncertain Significance.

Ambry Genetics
Classification: Uncertain significance for Hereditary cancer-predisposing syndrome. Last evaluated: 2023-12-20. Review status: criteria provided, single submitter. Criteria: Ambry Variant Classification Scheme 2023. Collection method: clinical testing. Allele origin: germline.
Comment: The p.V734I variant (also known as c.2200G>A), located in coding exon 13 of the PMS2 gene, results from a G to A substitution at nucleotide position 2200. The valine at codon 734 is replaced by isoleucine, an amino acid with highly similar properties. This variant was identified in a cohort of 3,579 African males diagnosed with prostate cancer who underwent multi-gene panel testing of 19 DNA repair and cancer predisposition genes (Matejcic M et al. JCO Precis Oncol, 2020 Jan;4:32-43). This amino acid position is well conserved in available vertebrate species. In addition, this alteration is predicted to be tolerated by in silico analysis. Since supporting evidence is limited at this time, the clinical significance of this alteration remains unclear.

GeneDx
Classification: Uncertain significance. Last evaluated: 2022-10-25. Review status: criteria provided, single submitter. Criteria: GeneDx Variant Classification Process June 2021. Collection method: clinical testing. Allele origin: germline. Affected: yes.
Comment: Not observed at significant frequency in large population cohorts (gnomAD); In silico analysis supports that this missense variant does not alter protein structure/function; Has not been previously published as pathogenic or benign to our knowledge; This variant is associated with the following publications: (PMID: Fukui2011[Chapter])

Literature cited by the submitters: PubMed 32832836 (cited by Ambry Genetics).